The following is an entry in ClinVar:

NM_000256.3(MYBPC3):c.1822C>T (p.Pro608Ser)

Gene: MYBPC3 (myosin binding protein C3; minus strand). Cytogenetic location: 11p11.2.
Variant type: single nucleotide variant.
Coding change: c.1822C>T on transcript NM_000256.3 (MANE Select); coding-DNA position 1822, C replaced by T.
Protein change: p.Pro608Ser; replaces proline 608 with serine.
Molecular consequence: missense variant.
Genome position (GRCh38, 1-based): chr11:47,341,213, G>A on the plus strand (C>T on the coding strand, the complement: MYBPC3 is on the minus strand). VCF-style: chr11-47341213-G-A. GRCh37 (hg19) VCF-style: chr11-47362764-G-A.
Other names: p.P608S:CCT>TCT; c.1822C>T, p.Pro608Ser (LRG_386t1); short protein forms P608S.
Identifiers: ClinVar variation 180952 (VCV000180952.16), dbSNP rs730880552, ClinGen allele CA011258.

ClinVar aggregate classification (germline): Conflicting classifications of pathogenicity. Review status: criteria provided, conflicting classifications (1 of 4 stars). 6 submissions from 6 submitters: Uncertain significance (3); Likely benign (3). Last evaluated 2025-10-27.

Conditions:
Cardiovascular phenotype. Identifiers: MedGen CN230736.
Cardiomyopathy (CMYO). Also called: Cardiomyopathies. Identifiers: Orphanet 167848, MedGen C0878544, MONDO:0004994, HP:0001638. Inheritance: Various modes of inheritance.
Hypertrophic cardiomyopathy. Also called: HYPERTROPHIC MYOCARDIOPATHY. Identifiers: Orphanet 217569, MedGen C0007194, MeSH D002312, MONDO:0005045, HP:0001639.

Allele frequency attached by ClinVar (database versions not stated): gnomAD 0.00001; TOPMed 0.00001; ExAC 0.00014.
gnomAD v4.1: 52 of 1,596,458 alleles (0.0033%); highest among the groups gnomAD compares: South Asian, 0.055%; 2 homozygotes.

Submissions (6):

Labcorp Genetics (formerly Invitae), Labcorp
Classification: Likely benign for Hypertrophic cardiomyopathy. Last evaluated: 2025-10-27. Review status: criteria provided, single submitter. Criteria: Invitae Variant Classification Sherloc (09022015). Collection method: clinical testing. Allele origin: germline.

Blueprint Genetics
Classification: Likely benign. Last evaluated: 2023-05-25. Review status: criteria provided, single submitter. Criteria: ACMG Guidelines, 2015. Collection method: clinical testing. Allele origin: germline.

Color Diagnostics, LLC DBA Color Health
Classification: Uncertain significance for Cardiomyopathy. Last evaluated: 2023-04-17. Review status: criteria provided, single submitter. Criteria: ACMG Guidelines, 2015. Collection method: clinical testing. Allele origin: germline.
Comment: This missense variant replaces proline with serine at codon 608 of the MYBPC3 protein. Computational prediction is inconclusive regarding the impact of this variant on protein structure and function (internally defined REVEL score threshold 0.5 < inconclusive < 0.7, PMID: 27666373). To our knowledge, functional studies have not been reported for this variant. This variant has been reported in at least one individual affected with hypertrophic cardiomyopathy (PMID: 19694057, 32841044). This variant has been identified in 20/217952 chromosomes in the general population by the Genome Aggregation Database (gnomAD). The elevated variant allele frequency in the general population indicates that this variant may not be disease-causing. However, additional studies are necessary to determine the role of this variant in disease conclusively. Therefore, this variant is classified as a Variant of Uncertain Significance.

Ambry Genetics
Classification: Likely benign for Cardiovascular phenotype. Last evaluated: 2023-01-27. Review status: criteria provided, single submitter. Criteria: Ambry Variant Classification Scheme 2023. Collection method: clinical testing. Allele origin: germline.

CHEO Genetics Diagnostic Laboratory, Children's Hospital of Eastern Ontario
Classification: Uncertain significance for Cardiomyopathy. Last evaluated: 2017-02-27. Review status: criteria provided, single submitter. Criteria: ACMG Guidelines, 2015. Collection method: clinical testing. Allele origin: germline. Study: Canadian Open Genetics Repository.

GeneDx
Classification: Uncertain significance. Last evaluated: 2015-12-07. Review status: criteria provided, single submitter. Criteria: GeneDx Variant Classification (06012015). Collection method: clinical testing. Allele origin: germline. Affected: yes.
Comment: p.Pro608Ser (CCT>TCT): c.1822 C>T in exon 19 of the MYBPC3 gene (NM_000256.3)The Pro608Ser mutation in the MYBPC3 gene has been published previously in association with HCM. There was a positive family history of HCM in this family. The same study reported Pro608Ser was not observed in 192 controls. Another mutation affecting the same residue (Pro608Leu), and mutations affecting nearby residues (Asp605His, Asp610His) have also been reported in association with HCM, further supporting the functional importance of this residue and this region of the protein. Furthermore, the NHLBI ESP Exome Variant Server reports Pro608Ser was not observed in approximately 5,000 samples from individuals of European and African American backgrounds, indicating it is not a common benign variant in these populations. Therefore, Pro608Ser in the MYBPC3 gene is interpreted to be a disease-causing mutation. Mutations in the MYBPC3 gene have been reported in 20%-30% of patients with autosomal dominant familial hypertrophic cardiomyopathy, and have been reported less frequently in patients with autosomal dominant familial dilated cardiomyopathy (Cirino A et al., 2011; Hershberger R et al., 2009). The variant is found in HCM panel(s).

Literature cited by the submitters: PubMed 19694057 (cited by Color Diagnostics, LLC DBA Color Health); PubMed 32841044 (cited by Color Diagnostics, LLC DBA Color Health).